The following is an entry in ClinVar:

NM_004700.4(KCNQ4):c.364C>T (p.Gln122Ter)

Gene: KCNQ4 (potassium voltage-gated channel subfamily Q member 4; plus strand). Cytogenetic location: 1p34.2.
Variant type: single nucleotide variant.
Coding change: c.364C>T on transcript NM_004700.4 (MANE Select); coding-DNA position 364, C replaced by T.
Protein change: p.Gln122Ter; replaces glutamine 122 with a stop codon.
Molecular consequence: nonsense.
Genome position (GRCh38, 1-based): chr1:40,817,314, C>T. VCF-style: chr1-40817314-C-T. GRCh37 (hg19) VCF-style: chr1-41282986-C-T.
Other names: c.364C>T, p.Gln122Ter (NM_172163.3); short protein forms Q122*.
Identifiers: ClinVar variation 2440965 (VCV002440965.4), dbSNP rs1489698141, ClinGen allele CA339893135.

ClinVar aggregate classification (germline): Likely pathogenic. Review status: criteria provided, multiple submitters, no conflicts (2 of 4 stars). 2 submissions from 2 submitters: Likely pathogenic (2). Last evaluated 2025-10-25.

Conditions:
Autosomal dominant nonsyndromic hearing loss 2A. Also called: DFNA2 Nonsyndromic Hearing Loss; Deafness, autosomal dominant 2A; Autosomal dominant nonsyndromic deafness 2A. Identifiers: Orphanet 90635, MedGen C2677637, MONDO:0010817, OMIM 600101.

Submissions (2):

Variantyx, Inc.
Classification: Likely pathogenic for Autosomal dominant nonsyndromic hearing loss 2A. Last evaluated: 2025-10-25. Review status: criteria provided, single submitter. Criteria: Variantyx Assertion Criteria 2022. Collection method: clinical testing. Allele origin: germline. Inheritance: Autosomal dominant inheritance. Affected: yes.
Comment: This is a nonsense variant in the KCNQ4 gene (OMIM: 603537). Pathogenic variants in this gene have been associated with autosomal dominant deafness 2A. This variant introduces a premature termination codon in exon 2 out of 14. It is expected to result in loss of function, which is a known disease mechanism for KCNQ4 in this disorder (PMID: 31434872) (PVS1). This variant is absent from control populations (PM2). This variant has not been reported in individuals with KCNQ4-related disorders in the databases available for review. Based on the current evidence, this variant is classified as likely pathogenic for autosomal dominant deafness 2A.

Revvity Omics, Revvity
Classification: Likely pathogenic for Autosomal dominant nonsyndromic hearing loss 2A. Last evaluated: 2022-08-16. Review status: criteria provided, single submitter. Criteria: ACMG Guidelines, 2015. Collection method: clinical testing. Allele origin: germline.

Literature cited by the submitters: PubMed 31434872 (cited by Variantyx, Inc.).